The following is an entry in ClinVar:

ClinVar aggregate classification (germline): Benign/Likely benign. Review status: criteria provided, multiple submitters, no conflicts (2 of 4 stars). 9 submissions from 9 submitters: Benign (4); Likely benign (1). 4 of the submissions do not count toward it. Last evaluated 2026-04-01.

Conditions:
Genitopatellar syndrome (GTPTS). Also called: Genitopatellar syndrome (GPS); ABSENT PATELLAE, SCROTAL HYPOPLASIA, RENAL ANOMALIES, FACIAL DYSMORPHISM, AND MENTAL RETARDATION. Identifiers: Orphanet 85201, MedGen C1853566, MONDO:0011640, OMIM 606170.
KAT6B-related disorder. Also called: KAT6B-related disorders; KAT6B-related condition.

Allele frequency attached by ClinVar (database versions not stated): TOPMed 0.00228; gnomAD exomes 0.00230; ExAC 0.00239; gnomAD 0.00257 and 0.00277; ESP Exome Variant Server 0.00338; 1000 Genomes Project 0.00060; 1000 Genomes Project 30x 0.00078.
gnomAD v4.1: 6,630 of 1,614,116 alleles (0.41%); highest among the groups gnomAD compares: Non-Finnish European, 0.53%; 25 homozygotes.

Submissions (9):

CeGaT Center for Human Genetics Tuebingen
Classification: Benign. Last evaluated: 2026-04-01. Review status: criteria provided, single submitter. Criteria: CeGaT Center For Human Genetics Tuebingen Variant Classification Criteria Version 2. Collection method: clinical testing. Allele origin: germline. Affected: yes. Observed: 9 variant alleles.
Comment: KAT6B: BS1, BS2

Labcorp Genetics (formerly Invitae), Labcorp
Classification: Benign for Genitopatellar syndrome. Last evaluated: 2026-02-01. Review status: criteria provided, single submitter. Criteria: Invitae Variant Classification Sherloc (09022015). Collection method: clinical testing. Allele origin: germline.

Blueprint Genetics
Classification: Likely benign. Last evaluated: 2024-11-27. Review status: criteria provided, single submitter. Criteria: ACMG Guidelines, 2015. Collection method: clinical testing. Allele origin: germline.

GeneDx
Classification: Benign. Last evaluated: 2016-11-18. Review status: criteria provided, single submitter. Criteria: GeneDx Variant Classification (06012015). Collection method: clinical testing. Allele origin: germline. Affected: yes.
Comment: This variant is considered likely benign or benign based on one or more of the following criteria: it is a conservative change, it occurs at a poorly conserved position in the protein, it is predicted to be benign by multiple in silico algorithms, and/or has population frequency not consistent with disease.

Breakthrough Genomics
Classification: Benign. Review status: criteria provided, single submitter. Criteria: ACMG Guidelines, 2015. Collection method: not provided. Allele origin: germline. Inheritance: Autosomal dominant inheritance. Affected: yes.

PreventionGenetics, part of Exact Sciences
Classification: Benign for KAT6B-related condition. Last evaluated: 2019-05-29. Review status: no assertion criteria provided. Collection method: clinical testing. Allele origin: germline. Not counted in ClinVar's aggregate classification.
Comment: This variant is classified as benign based on ACMG/AMP sequence variant interpretation guidelines (Richards et al. 2015 PMID: 25741868, with internal and published modifications).

Clinical Genetics DNA and cytogenetics Diagnostics Lab, Erasmus MC, Erasmus Medical Center
Classification: Likely benign. Review status: no assertion criteria provided. Collection method: clinical testing. Allele origin: germline. Affected: yes. Study: VKGL Data-share Consensus. Not counted in ClinVar's aggregate classification.

Joint Genome Diagnostic Labs from Nijmegen and Maastricht, Radboudumc and MUMC+
Classification: Likely benign. Review status: no assertion criteria provided. Collection method: clinical testing. Allele origin: germline. Affected: yes. Study: VKGL Data-share Consensus. Not counted in ClinVar's aggregate classification.

Laboratory of Diagnostic Genome Analysis, Leiden University Medical Center (LUMC)
Classification: Likely benign. Review status: no assertion criteria provided. Collection method: clinical testing. Allele origin: germline. Affected: yes. Study: VKGL Data-share Consensus. Not counted in ClinVar's aggregate classification.

NM_012330.4(KAT6B):c.4835G>A (p.Arg1612His)

Gene: KAT6B (lysine acetyltransferase 6B; plus strand). Cytogenetic location: 10q22.2.
Variant type: single nucleotide variant.
Coding change: c.4835G>A on transcript NM_012330.4 (MANE Select); coding-DNA position 4835, G replaced by A.
Protein change: p.Arg1612His; replaces arginine 1612 with histidine.
Molecular consequence: missense variant.
Genome position (GRCh38, 1-based): chr10:75,029,659, G>A. VCF-style: chr10-75029659-G-A. GRCh37 (hg19) VCF-style: chr10-76789417-G-A.
Other names: c.4286G>A, p.Arg1429His (NM_001256468.2, NM_001370138.1); c.3959G>A, p.Arg1320His (NM_001256469.2, NM_001370139.1, NM_001370140.1 and 2 more transcripts); c.3797G>A, p.Arg1266His (NM_001370132.1); c.3146G>A, p.Arg1049His (NM_001370133.1); c.2750G>A, p.Arg917His (NM_001370134.1); c.2492G>A, p.Arg831His (NM_001370135.1); c.4835G>A, p.Arg1612His (NM_001370136.1, NM_001370137.1); c.3770G>A, p.Arg1257His (NM_001370143.1, NM_001370144.1); short protein forms R1612H, R1049H, R917H, R1257H, R831H, R1266H, R1320H, R1429H.
Identifiers: ClinVar variation 300893 (VCV000300893.42), dbSNP rs72803461, ClinGen allele CA5565109.